The following is an entry in ClinVar:

NM_001018115.3(FANCD2):c.365A>C (p.Asp122Ala)

Genes: FANCD2 (FA complementation group D2; plus strand), LOC107303338 (3p25 FANCD2 Alu-mediated recombination region; plus strand). Cytogenetic location: 3p25.3.
Variant type: single nucleotide variant.
Coding change: c.365A>C on transcript NM_001018115.3 (MANE Select); coding-DNA position 365, A replaced by C.
Protein change: p.Asp122Ala; replaces aspartic acid 122 with alanine.
Molecular consequence: missense variant.
Genome position (GRCh38, 1-based): chr3:10,034,786, A>C. VCF-style: chr3-10034786-A-C. GRCh37 (hg19) VCF-style: chr3-10076470-A-C.
Other names: c.365A>C, p.Asp122Ala (NM_001319984.2, NM_001374253.1, NM_001374254.1 and 2 more transcripts); short protein forms D122A.
Identifiers: ClinVar variation 1953037 (VCV001953037.4), dbSNP rs756313149, ClinGen allele CA2249181.

ClinVar aggregate classification (germline): Uncertain significance (1 of 4 stars; one submission).

Conditions:
Fanconi anemia (FA). Also called: Fanconi's anemia. Identifiers: Orphanet 84, MedGen C0015625, MeSH D005199, MONDO:0019391.

Allele frequency attached by ClinVar (database versions not stated): TOPMed below 0.00001; gnomAD exomes 0.00001.
gnomAD v4.1: 13 of 1,557,098 alleles (0.00083%); highest among the groups gnomAD compares: East Asian, 0.026%; no homozygotes.

Submission:

Labcorp Genetics (formerly Invitae), Labcorp
Classification: Uncertain significance for Fanconi anemia. Last evaluated: 2024-12-26. Review status: criteria provided, single submitter. Criteria: Invitae Variant Classification Sherloc (09022015). Collection method: clinical testing. Allele origin: germline.
Comment: This sequence change replaces aspartic acid, which is acidic and polar, with alanine, which is neutral and non-polar, at codon 122 of the FANCD2 protein (p.Asp122Ala). This variant is present in population databases (rs756313149, gnomAD 0.02%). This variant has not been reported in the literature in individuals affected with FANCD2-related conditions. ClinVar contains an entry for this variant (Variation ID: 1953037). An algorithm developed to predict the effect of missense changes on protein structure and function (PolyPhen-2) suggests that this variant is likely to be tolerated. In summary, the available evidence is currently insufficient to determine the role of this variant in disease. Therefore, it has been classified as a Variant of Uncertain Significance.